The following is an entry in ClinVar:

NM_001163560.3(MEIOB):c.826_829del (p.Glu276fs)

Gene: MEIOB (meiosis specific with OB-fold; minus strand). Cytogenetic location: 16p13.3.
Variant type: Deletion.
Coding change: c.826_829del on transcript NM_001163560.3 (MANE Select); coding-DNA positions 826 to 829, 4 bases deleted (GAAA; older notation c.826_829delGAAA).
Protein change: p.Glu276fs; shifts the reading frame from glutamic acid 276.
Molecular consequence: frameshift variant.
Genome position (GRCh38, 1-based): chr16:1,844,913-1,844,916, TTTC deleted on the plus strand (GAAA on the coding strand, the reverse complement: MEIOB is on the minus strand); deleting any 4 consecutive bases within chr16:1,844,913-1,844,919 gives the same sequence; the c. name uses the placement nearest the transcript's 3' end. VCF-style (leftmost placement, unchanged base first): chr16-1844912-GTTTC-G. GRCh37 (hg19) VCF-style: chr16-1894913-GTTTC-G.
Other names: c.826_829del, p.Glu276fs (NM_152764.3); short protein forms E276fs.
Identifiers: ClinVar variation 4855040 (VCV004855040.1).

ClinVar aggregate classification (germline): Likely pathogenic (1 of 4 stars; one submission).

Conditions:
Premature ovarian failure 23 (POF23). Identifiers: MedGen C5882747, MONDO:0958035, OMIM 620686.

Submission:

3billion
Classification: Likely pathogenic for Premature ovarian failure 23. Last evaluated: 2025-05-08. Review status: criteria provided, single submitter. Criteria: ACMG Guidelines, 2015. Collection method: clinical testing. Allele origin: germline. Affected: yes.
Comment: The variant is observed at an extremely low frequency in the gnomAD v4.1.0 dataset (total allele frequency: <0.001%). Predicted Consequence/Location: Frameshift: predicted to result in a loss or disruption of normal protein function through nonsense-mediated decay (NMD) or protein truncation. Multiple pathogenic variants are reported downstream of the variant. Therefore, this variant is classified as Likely pathogenic according to the recommendation of ACMG/AMP guideline.